The following is an entry in ClinVar:

ClinVar aggregate classification (germline): Uncertain significance (1 of 4 stars; one submission).

gnomAD v4.1: 1 of 1,206,682 alleles (0.000083%); highest among the groups gnomAD compares: African/African-American, 0.0017%; no homozygotes.

Submission:

Greenwood Genetic Center Diagnostic Laboratories, Greenwood Genetic Center
Classification: Uncertain significance. Last evaluated: 2025-04-28. Review status: criteria provided, single submitter. Criteria: ACMG Guidelines, 2015. Collection method: clinical testing. Allele origin: germline. Affected: yes.
Comment: PM2, BP4

NM_005334.3(HCFC1):c.4681T>G (p.Ser1561Ala)

Gene: HCFC1 (host cell factor C1; minus strand). Cytogenetic location: Xq28.
Variant type: single nucleotide variant.
Coding change: c.4681T>G on transcript NM_005334.3 (MANE Select); coding-DNA position 4681, T replaced by G.
Protein change: p.Ser1561Ala; replaces serine 1561 with alanine.
Molecular consequence: missense variant.
Genome position (GRCh38, 1-based): chrX:153,952,775, A>C on the plus strand (T>G on the coding strand, the complement: HCFC1 is on the minus strand). VCF-style: chrX-153952775-A-C. GRCh37 (hg19) VCF-style: chrX-153218226-A-C.
Other names: c.4813T>G, p.Ser1605Ala (NM_001440844.1, NM_001410705.1, NM_001440843.1); c.4810T>G, p.Ser1604Ala (NM_001440845.1, NM_001440846.1); c.4681T>G, p.Ser1561Ala (NM_001440847.1, NM_001440848.1, NM_001440849.1); c.4615T>G, p.Ser1539Ala (NM_001440850.1); c.4483T>G, p.Ser1495Ala (NM_001440851.1); short protein forms S1495A, S1539A, S1561A, S1604A, S1605A.
Identifiers: ClinVar variation 4538190 (VCV004538190.1).